The following is an entry in ClinVar:

ClinVar aggregate classification (germline): Benign/Likely benign. Review status: criteria provided, multiple submitters, no conflicts (2 of 4 stars). 3 submissions from 3 submitters: Benign (2); Likely benign (1). Last evaluated 2022-12-01.

Conditions:
Vitreoretinopathy. Also called: Vitreoretinal degeneration. Identifiers: MedGen C0344290, MONDO:0020248, HP:0007773.

Allele frequency attached by ClinVar (database versions not stated): 1000 Genomes Project 0.00180; gnomAD exomes 0.00575; TOPMed 0.00724.
gnomAD v4.1: 1,116 of 146,082 alleles (0.76%); highest among the groups gnomAD compares: Non-Finnish European, 1.2%; 5 homozygotes.

Submissions (3):

CeGaT Center for Human Genetics Tuebingen
Classification: Benign. Last evaluated: 2022-12-01. Review status: criteria provided, single submitter. Criteria: CeGaT Center For Human Genetics Tuebingen Variant Classification Criteria Version 2. Collection method: clinical testing. Allele origin: germline. Affected: yes. Observed: 1 variant allele.
Comment: VCAN: BS1, BS2

Illumina Laboratory Services, Illumina
Classification: Benign for Vitreoretinopathy. Last evaluated: 2018-01-13. Review status: criteria provided, single submitter. Criteria: ICSL Variant Classification Criteria 13 December 2019. Collection method: clinical testing. Allele origin: germline.
Comment: This variant was observed in the ICSL laboratory as part of a predisposition screen in an ostensibly healthy population. It had not been previously curated by ICSL or reported in the Human Gene Mutation Database (HGMD: prior to June 1st, 2018), and was therefore a candidate for classification through an automated scoring system. Utilizing variant allele frequency, disease prevalence and penetrance estimates, and inheritance mode, an automated score was calculated to assess if this variant is too frequent to cause the disease. Based on the score and internal cut-off values, a variant classified as benign is not then subjected to further curation. The score for this variant resulted in a classification of benign for this disease.

Breakthrough Genomics
Classification: Likely benign. Review status: criteria provided, single submitter. Criteria: ACMG Guidelines, 2015. Collection method: not provided. Allele origin: germline. Inheritance: Autosomal dominant inheritance. Affected: yes.

NM_004385.5(VCAN):c.*816C>A

Gene: VCAN (versican; plus strand). Cytogenetic location: 5q14.3.
Variant type: single nucleotide variant.
Coding change: c.*816C>A on transcript NM_004385.5 (MANE Select); 816 bases downstream of the stop codon, C replaced by A.
Molecular consequence: 3 prime UTR variant.
Genome position (GRCh38, 1-based): chr5:83,581,250, C>A. VCF-style: chr5-83581250-C-A. GRCh37 (hg19) VCF-style: chr5-82877069-C-A.
Other names: c.*816C>A (NM_001126336.3, NM_001164097.2, NM_001164098.2).
Identifiers: ClinVar variation 354478 (VCV000354478.31), dbSNP rs111455323, ClinGen allele CA10625153.